The following is an entry in ClinVar:

NM_178014.4(TUBB):c.1275C>A (p.Tyr425Ter)

Gene: TUBB (tubulin beta class I; plus strand). Cytogenetic location: 6p21.33.
Variant type: single nucleotide variant.
Coding change: c.1275C>A on transcript NM_178014.4 (MANE Select); coding-DNA position 1275, C replaced by A.
Protein change: p.Tyr425Ter; replaces tyrosine 425 with a stop codon.
Molecular consequence: nonsense. On other transcripts: non-coding transcript variant (1).
Genome position (GRCh38, 1-based): chr6:30,724,337, C>A. VCF-style: chr6-30724337-C-A. GRCh37 (hg19) VCF-style: chr6-30692114-C-A.
Other names: c.1335C>A, p.Tyr445Ter (NM_001293212.2); c.669C>A, p.Tyr223Ter (NM_001293213.2); c.1143C>A, p.Tyr381Ter (NM_001293214.2); c.1059C>A, p.Tyr353Ter (NM_001293215.2, NM_001293216.2); short protein forms Y223*, Y353*, Y381*, Y425*, Y445*.
Identifiers: ClinVar variation 3372117 (VCV003372117.1).

ClinVar aggregate classification (germline): Uncertain significance (1 of 4 stars; one submission).

Submission:

GeneDx
Classification: Uncertain significance. Last evaluated: 2024-04-03. Review status: criteria provided, single submitter. Criteria: GeneDx Variant Classification Process June 2021. Collection method: clinical testing. Allele origin: germline. Affected: yes.
Comment: Not observed at significant frequency in large population cohorts (gnomAD); Has not been previously published as pathogenic or benign to our knowledge; Nonsense variant predicted to result in protein truncation as the last 20 amino acids are lost, although loss-of-function variants have not been reported downstream of this position in the protein